The following is an entry in ClinVar:

ClinVar aggregate classification (germline): Uncertain significance. Review status: criteria provided, multiple submitters, no conflicts (2 of 4 stars). 2 submissions from 2 submitters: Uncertain significance (2). Last evaluated 2023-05-23.

Conditions:
Duchenne muscular dystrophy (DMD). Also called: MUSCULAR DYSTROPHY, PSEUDOHYPERTROPHIC PROGRESSIVE, DUCHENNE TYPE; Duchenne Muscular Dystrophy (DMD). Identifiers: Orphanet 98896, MedGen C0013264, MONDO:0010679, OMIM 310200.

Submissions (2):

Labcorp Genetics (formerly Invitae), Labcorp
Classification: Uncertain significance for Duchenne muscular dystrophy. Last evaluated: 2023-05-23. Review status: criteria provided, single submitter. Criteria: Invitae Variant Classification Sherloc (09022015). Collection method: clinical testing. Allele origin: germline.
Comment: In summary, the available evidence is currently insufficient to determine the role of this variant in disease. Therefore, it has been classified as a Variant of Uncertain Significance. Advanced modeling of protein sequence and biophysical properties (such as structural, functional, and spatial information, amino acid conservation, physicochemical variation, residue mobility, and thermodynamic stability) performed at Invitae indicates that this missense variant is not expected to disrupt DMD protein function. ClinVar contains an entry for this variant (Variation ID: 1329744). This variant has not been reported in the literature in individuals affected with DMD-related conditions. This variant is not present in population databases (gnomAD no frequency). This sequence change replaces arginine, which is basic and polar, with serine, which is neutral and polar, at codon 545 of the DMD protein (p.Arg545Ser).

GeneDx
Classification: Uncertain significance. Last evaluated: 2021-06-26. Review status: criteria provided, single submitter. Criteria: GeneDx Variant Classification Process June 2021. Collection method: clinical testing. Allele origin: germline. Affected: yes.
Comment: Not observed at significant frequency in large population cohorts (Lek et al., 2016); In silico analysis supports that this missense variant has a deleterious effect on protein structure/function; Has not been previously published as pathogenic or benign to our knowledge; This variant is associated with the following publications: (PMID: 26676145, 27535533)

NM_004006.3(DMD):c.1635A>T (p.Arg545Ser)

Gene: DMD (dystrophin; minus strand). Cytogenetic location: Xp21.1.
Variant type: single nucleotide variant.
Coding change: c.1635A>T on transcript NM_004006.3 (MANE Select); coding-DNA position 1635, A replaced by T.
Protein change: p.Arg545Ser; replaces arginine 545 with serine.
Molecular consequence: missense variant.
Genome position (GRCh38, 1-based): chrX:32,573,814, T>A on the plus strand (A>T on the coding strand, the complement: DMD is on the minus strand). VCF-style: chrX-32573814-T-A. GRCh37 (hg19) VCF-style: chrX-32591931-T-A.
Other names: c.1611A>T, p.Arg537Ser (NM_000109.4); c.1623A>T, p.Arg541Ser (NM_004009.3); c.1266A>T, p.Arg422Ser (NM_004010.3); short protein forms R422S, R537S, R541S, R545S.
Identifiers: ClinVar variation 1329744 (VCV001329744.6), dbSNP rs5927083, ClinGen allele CA412673466.
Genomic context (GRCh38, chrX:32,573,814, plus strand): 5'-AGTAAGACGTTGCCATTTGAGAAGGATGTCTTGTAAAAGAACCCAGCGGTCTTCTGTCCA[T>A]CTACAGATGTTTGCCCATCGATCTCCCAATACCTGGAGAAGAGACAATCAAGCACAGCAT-3'
Protein context (NP_003997.2, residues 535-555): VLGDRWANIC[Arg545Ser]WTEDRWVLLQ